The following is an entry in ClinVar:

NM_014444.5(TUBGCP4):c.1746G>T (p.Leu582=)

Genes: TP53BP1 (tumor protein p53 binding protein 1; minus strand), TUBGCP4 (tubulin gamma complex component 4; plus strand). Cytogenetic location: 15q15.3.
Variant type: single nucleotide variant.
Coding change: c.1746G>T on transcript NM_014444.5 (MANE Select); coding-DNA position 1746, G replaced by T.
Protein change: p.Leu582=; no amino-acid change (leucine 582 retained).
Molecular consequence: synonymous variant. On other transcripts: 3 prime UTR variant (5).
Genome position (GRCh38, 1-based): chr15:43,403,697, G>T. VCF-style: chr15-43403697-G-T. GRCh37 (hg19) VCF-style: chr15-43695895-G-T.
Other names: p.Leu582Leu; 1746G-T; c.1749G>T, p.Leu583= (NM_001286414.3); c.*3686C>A (NM_001141979.3, NM_001141980.3, NM_001355001.2 and 2 more transcripts).
Identifiers: ClinVar variation 190123 (VCV000190123.47), dbSNP rs200092283, ClinGen allele CA199567.

ClinVar aggregate classification (germline): Pathogenic/Likely pathogenic. Review status: criteria provided, multiple submitters, no conflicts (2 of 4 stars). 15 submissions from 15 submitters: Pathogenic (9); Likely pathogenic (3). 3 of the submissions do not count toward it. Last evaluated 2026-02-22.

Conditions:
Autosomal recessive chorioretinopathy-microcephaly syndrome. Also called: Microcephaly chorioretinopathy recessive form. Identifiers: Orphanet 2518, MedGen C3502492.
TUBGCP4-related disorder. Also called: TUBGCP4-related condition.
Microcephaly and chorioretinopathy 3. Also called: Microcephaly and chorioretinopathy, autosomal recessive, 3. Identifiers: MedGen C4225362, MONDO:0014592, OMIM 616335.

Allele frequency attached by ClinVar (database versions not stated): 1000 Genomes Project 0.00020; ExAC 0.00022; gnomAD exomes 0.00030 and 0.00073; 1000 Genomes Project 30x 0.00031; gnomAD 0.00034 and 0.00035; TOPMed 0.00043; ESP Exome Variant Server 0.00050.
gnomAD v4.1: 1,108 of 1,612,466 alleles (0.069%); highest among the groups gnomAD compares: Non-Finnish European, 0.088%; no homozygotes.

Submissions (15):

Victorian Clinical Genetics Services, Murdoch Childrens Research Institute
Classification: Pathogenic for Microcephaly and chorioretinopathy 3. Last evaluated: 2026-02-22. Review status: criteria provided, single submitter. Criteria: ACMG Guidelines, 2015. Collection method: clinical testing. Allele origin: germline. Affected: yes.
Comment: This variant is classified as Pathogenic. Evidence in support of pathogenic classification: Splice site variant proven to affect splicing of the transcript with uncertain effect on protein sequence. RT-PCR of cDNA derived from an affected individual's fibroblasts has demonstrated this variant causes inframe exon 16 skipping, but also the retention of wildtype protein. The proportion of wildtype and mutant protein is unclear (PMID: 25817018); Variant is present in gnomAD (v2) <0.01 for a recessive condition (86 heterozygotes, 0 homozygotes); This variant has strong previous evidence of pathogenicity in unrelated individuals. This variant has been reported many times as likely pathogenic or pathogenic, and is a recurring variant observed in compound heterozygous individuals with microcephaly, chorioretinopathy and intellectual disability (ClinVar, PMID: 25817018), and a homozygous individual with autism and ectasia of the optic nerve sheaths with no microcephaly or chorioretinopathy (PMID: 35418825). Additional information: This variant is heterozygous; This gene is associated with autosomal recessive disease; Variant is located in the annotated Gamma tubulin complex component C-terminal domain (DECIPHER); Loss of function is a known mechanism of disease in this gene and is associated with microcephaly and chorioretinopathy, 3, (MIM#616335).

GeneDx
Classification: Pathogenic. Last evaluated: 2026-01-23. Review status: criteria provided, single submitter. Criteria: GeneDx Variant Classification Process June 2021. Collection method: clinical testing. Allele origin: germline. Affected: yes.
Comment: Reported in the homozygous state in a proband with an atypical phenotype of autism spectrum disorder and ectasia of the optic nerve sheaths with a normal head circumference and no retinal anomalies (PMID: 35418825); Functional studies using fibroblasts from a patient suggest that the c.1746 G>T variant resulted in skipping of exon 16, which led to a reduction of the protein product, abnormal microtubule organization, and altered cell morphology (PMID: 25817018); In silico analysis is inconclusive as to whether the variant alters gene splicing. In the absence of RNA/functional studies, the actual effect of this sequence change is unknown.; This variant is associated with the following publications: (PMID: 25817018, 38180615, 31847883, 32270730, 33137195, 31964843, 35418825, 37038737)

Labcorp Genetics (formerly Invitae), Labcorp
Classification: Pathogenic. Last evaluated: 2026-01-21. Review status: criteria provided, single submitter. Criteria: Invitae Variant Classification Sherloc (09022015). Collection method: clinical testing. Allele origin: germline.
Comment: This sequence change affects codon 583 of the TUBGCP4 mRNA. It is a 'silent' change, meaning that it does not change the encoded amino acid sequence of the TUBGCP4 protein. RNA analysis indicates that this variant induces altered splicing and likely results in a shortened protein product. This variant is present in population databases (rs200092283, gnomAD 0.05%). This variant has been observed in individual(s) with microcephaly and chorioretinal dysplasia (PMID: 25817018). In at least one individual the data is consistent with being in trans (on the opposite chromosome) from a pathogenic variant. It has also been observed to segregate with disease in related individuals. ClinVar contains an entry for this variant (Variation ID: 190123). Studies have shown that this variant results in skipping of exon 16, but is expected to preserve the integrity of the reading-frame (PMID: 25817018). For these reasons, this variant has been classified as Pathogenic.

Variantyx, Inc.
Classification: Pathogenic for Microcephaly and chorioretinopathy 3. Last evaluated: 2025-03-10. Review status: criteria provided, single submitter. Criteria: Variantyx Assertion Criteria 2022. Collection method: clinical testing. Allele origin: maternal. Affected: yes.
Comment: This is a synonymous variant in the TUBGCP4 gene (OMIM: 609610). Pathogenic variants in this gene have been associated with autosomal recessive microcephaly and chorioretinopathy 3. Functional studies have shown that this variant alters TUBGCP4 protein function (PMID: 25817018) (PS3). This variant has a 0.0881% maximum allele frequency in non-founder control populations (PM2_Supporting). Based on the current evidence, this variant is classified as pathogenic for autosomal recessive microcephaly and chorioretinopathy 3.

Blueprint Genetics
Classification: Pathogenic for TUBGCP4-related disorders. Last evaluated: 2024-10-21. Review status: criteria provided, single submitter. Criteria: ACMG Guidelines, 2015. Collection method: clinical testing. Allele origin: germline. Affected: yes. Observed: 5 variant alleles.

Laboratorio de Genetica e Diagnostico Molecular, Hospital Israelita Albert Einstein
Classification: Likely pathogenic for Microcephaly and chorioretinopathy 3. Last evaluated: 2023-02-27. Review status: criteria provided, single submitter. Criteria: ACMG Guidelines, 2015. Collection method: clinical testing. Allele origin: germline. Affected: yes.
Comment: ACMG classification criteria: PS3 supporting, PM3 strong, PP1 supporting

Laboratory of Human Genetics, Universidade de São Paulo
Classification: Likely pathogenic for Microcephaly and chorioretinopathy 3. Last evaluated: 2022-06-27. Review status: criteria provided, single submitter. Criteria: ACMG Guidelines, 2015. Collection method: research. Allele origin: unknown. Affected: yes.
Comment: This variant meets our criteria to be classified as pathogenic based upon segregation studies, low frequency in control samples, and in-silico evaluation of pathogenicity.

Baylor Genetics
Classification: Pathogenic for Microcephaly and chorioretinopathy 3. Last evaluated: 2020-08-04. Review status: criteria provided, single submitter. Criteria: ACMG Guidelines, 2015. Collection method: clinical testing. Allele origin: unknown. Affected: yes.
Comment: This variant was determined to be pathogenic according to ACMG Guidelines, 2015 [PMID:25741868].

Mendelics
Classification: Pathogenic for Microcephaly and chorioretinopathy 3. Last evaluated: 2019-05-28. Review status: criteria provided, single submitter. Criteria: Mendelics Assertion Criteria 2017. Collection method: clinical testing. Allele origin: unknown.

Laboratory for Molecular Medicine, Mass General Brigham Personalized Medicine
Classification: Likely pathogenic for Autosomal recessive chorioretinopathy-microcephaly syndrome. Last evaluated: 2018-12-04. Review status: criteria provided, single submitter. Criteria: LMM Criteria. Collection method: clinical testing. Allele origin: germline. Inheritance: Autosomal recessive inheritance. Observed: 1 variant allele.
Comment: The p.Leu582Leu variant in TUBGCP4 has been reported in the compound heterozygou s state (with loss of function variants) in 3 individuals with microcephaly with chorioretinopathy and segregated with disease in 1 affected relative (Scheideck er 2015). It has also been identified in 0.05% (66/128464) of European chromosom es by gnomAD and has been reported in ClinVar (Variation ID 190123). In vitro functional studies support a splicing impact af fecting protein function (Scheidecker 2015). In summary, although additional stu dies are required to fully establish its clinical significance, this variant mee ts criteria to be classified as likely pathogenic for autosomal recessive microc ephaly with chorioretinopathy. ACMG/AMP Criteria applied: PM3_Strong, PP1, PS3_S upporting.

Eurofins Ntd Llc (ga)
Classification: Pathogenic. Last evaluated: 2018-04-23. Review status: criteria provided, single submitter. Criteria: EGL ClinVar v180209 classification definitions. Collection method: clinical testing. Allele origin: germline. Observed: 2 variant alleles, 2 heterozygotes.

Center for Pediatric Genomic Medicine, Children's Mercy Hospital and Clinics
Classification: Pathogenic. Last evaluated: 2016-05-23. Review status: criteria provided, single submitter. Criteria: ACMG Guidelines, 2015. Collection method: clinical testing. Allele origin: germline.

PreventionGenetics, part of Exact Sciences
Classification: Pathogenic for TUBGCP4-related condition. Last evaluated: 2025-01-03. Review status: no assertion criteria provided. Collection method: clinical testing. Allele origin: germline. Not counted in ClinVar's aggregate classification.
Comment: This variant has been reported in the compound heterozygous state in individuals with autosomal recessive microcephaly and chorioretinopathy and segregated with disease in families (see, for example, Scheidecker et al. 2015. PubMed ID: 25817018; Da Palma et al. 2020. PubMed ID: 32270730; Yahalom et al. 2023. PubMed ID: 37038737). It has also been reported in an individual with autism who did not present with microcephaly and chorioretinopathy (Martín Fernández-Mayoralas et al. 2021. PubMed ID: 35418825). RT-PCR studies indicated skipping of exon 16 (Scheidecker et al. 2015. PubMed ID: 25817018). This variant is reported in 0.051% of alleles in individuals of European (non-Finnish) descent in gnomAD. This variant is interpreted as pathogenic.

Genetic Services Laboratory, University of Chicago
Classification: Pathogenic for Microcephaly and chorioretinopathy 3. Last evaluated: 2018-07-26. Review status: no assertion criteria provided. Collection method: clinical testing. Allele origin: germline. Affected: yes. Not counted in ClinVar's aggregate classification.
Comment: DNA sequence analysis of the TUBGCP4 gene demonstrated a synonymous pathogenic sequence change, c.1746G>T p. Leu582Leu, in exon 16, that does not result in an amino acid substitution. This silent sequence change was previously reported in in the compound heterozygous state in a patient with TUBGCP4-related microcephaly and chorioretinopathy (PMID: 25817018). Functional analysis of individual fibroblasts demonstrated that the c.1746G>T variant resulted in skipping of exon 16, which led to a reduction of the protein product (PMID: 25817018).

OMIM
Classification: Pathogenic for MICROCEPHALY AND CHORIORETINOPATHY, AUTOSOMAL RECESSIVE, 3. Last evaluated: 2015-04-02. Review status: no assertion criteria provided. Collection method: literature only. Allele origin: germline. Not counted in ClinVar's aggregate classification.

Literature cited by the submitters: PubMed 35418825 (cited by Victorian Clinical Genetics Services, Murdoch Childrens Research Institute); PubMed 25817018 (cited by 4 submitters).